The following is an entry in ClinVar:

ClinVar aggregate classification (germline): Conflicting classifications of pathogenicity. Review status: criteria provided, conflicting classifications (1 of 4 stars). 5 submissions from 5 submitters: Uncertain significance (2); Benign (1); Likely benign (2). Last evaluated 2026-09-01.

Conditions:
Occult macular dystrophy (OCMD). Also called: OMD; OCCULT MACULAR DYSTROPHY, SUSCEPTIBILITY TO. Identifiers: Orphanet 247834, MedGen C3150833, MONDO:0013316, OMIM 613587, HP:0030636.
RP1L1-related disorder. Also called: RP1L1-related condition.
Inborn genetic diseases. Identifiers: MedGen C0950123, MeSH D030342.

Allele frequency attached by ClinVar (database versions not stated): TOPMed 0.00018; gnomAD 0.00021 and 0.00025; gnomAD exomes 0.00023 and 0.00029; ExAC 0.00026; 1000 Genomes Project 0.00040; 1000 Genomes Project 30x 0.00047.
gnomAD v4.1: 379 of 1,611,648 alleles (0.024%); highest among the groups gnomAD compares: Middle Eastern, 1.2%; 4 homozygotes.

Submissions (5):

CeGaT Center for Human Genetics Tuebingen
Classification: Likely benign. Last evaluated: 2026-09-01. Review status: criteria provided, single submitter. Criteria: CeGaT Center For Human Genetics Tuebingen Variant Classification Criteria Version 2. Collection method: clinical testing. Allele origin: germline. Affected: yes. Observed: 1 variant allele.
Comment: RP1L1: BP4

PreventionGenetics, part of Exact Sciences
Classification: Uncertain significance for RP1L1-related condition. Last evaluated: 2026-05-31. Review status: criteria provided, single submitter. Criteria: ACMG Guidelines, 2015. Collection method: clinical testing. Allele origin: germline.
Comment: The RP1L1 c.1290G>T variant is predicted to result in the amino acid substitution p.Gln430His. To our knowledge, this variant has not been reported in the literature. This variant is present in 0.039% of alleles in individuals of European (Non-Finnish) descent in gnomAD including multiple homozygotes in v4.1.0. Although we suspect that this variant may be benign, at this time, the clinical significance of this variant is uncertain due to the absence of conclusive functional and genetic evidence.

Ambry Genetics
Classification: Uncertain significance for Inborn genetic diseases. Last evaluated: 2025-02-01. Review status: criteria provided, single submitter. Criteria: Ambry Variant Classification Scheme 2023. Collection method: clinical testing. Allele origin: germline.

Blueprint Genetics
Classification: Likely benign. Last evaluated: 2024-11-07. Review status: criteria provided, single submitter. Criteria: ACMG Guidelines, 2015. Collection method: clinical testing. Allele origin: germline.

Illumina Laboratory Services, Illumina
Classification: Benign for Occult macular dystrophy. Last evaluated: 2018-01-13. Review status: criteria provided, single submitter. Criteria: ICSL Variant Classification Criteria 13 December 2019. Collection method: clinical testing. Allele origin: germline.
Comment: This variant was observed in the ICSL laboratory as part of a predisposition screen in an ostensibly healthy population. It had not been previously curated by ICSL or reported in the Human Gene Mutation Database (HGMD: prior to June 1st, 2018), and was therefore a candidate for classification through an automated scoring system. Utilizing variant allele frequency, disease prevalence and penetrance estimates, and inheritance mode, an automated score was calculated to assess if this variant is too frequent to cause the disease. Based on the score and internal cut-off values, a variant classified as benign is not then subjected to further curation. The score for this variant resulted in a classification of benign for this disease.

NM_178857.6(RP1L1):c.1290G>T (p.Gln430His)

Gene: RP1L1 (RP1 like 1). Cytogenetic location: 8p23.1.
Variant type: single nucleotide variant.
Coding change: c.1290G>T on transcript NM_178857.6 (MANE Select); coding-DNA position 1290, G replaced by T.
Protein change: p.Gln430His; replaces glutamine 430 with histidine.
Molecular consequence: missense variant.
Genome position (GRCh38, 1-based): chr8:10,612,808, C>A on the plus strand (G>T on the coding strand, the complement: RP1L1 is on the minus strand). VCF-style: chr8-10612808-C-A. GRCh37 (hg19) VCF-style: chr8-10470318-C-A.
Other names: short protein forms Q430H.
Identifiers: ClinVar variation 909545 (VCV000909545.10), dbSNP rs142459130, ClinGen allele CA4625237.